The following is an entry in ClinVar:

ClinVar aggregate classification (germline): Uncertain significance (1 of 4 stars; one submission).

Conditions:
DOCK2 deficiency. Also called: Immunodeficiency 40. Identifiers: Orphanet 447737, MedGen C4225328, MONDO:0014637, OMIM 616433.

Submission:

Labcorp Genetics (formerly Invitae), Labcorp
Classification: Uncertain significance for DOCK2 deficiency. Last evaluated: 2022-03-11. Review status: criteria provided, single submitter. Criteria: Invitae Variant Classification Sherloc (09022015). Collection method: clinical testing. Allele origin: germline.
Comment: In summary, the available evidence is currently insufficient to determine the role of this variant in disease. Therefore, it has been classified as a Variant of Uncertain Significance. Algorithms developed to predict the effect of missense changes on protein structure and function are either unavailable or do not agree on the potential impact of this missense change (SIFT: "Deleterious"; PolyPhen-2: "Benign"; Align-GVGD: "Class C0"). This variant has not been reported in the literature in individuals affected with DOCK2-related conditions. This variant is not present in population databases (gnomAD no frequency). This sequence change replaces aspartic acid, which is acidic and polar, with glutamic acid, which is acidic and polar, at codon 1255 of the DOCK2 protein (p.Asp1255Glu).

NM_004946.3(DOCK2):c.3765T>G (p.Asp1255Glu)

Gene: DOCK2 (dedicator of cytokinesis 2; plus strand). Cytogenetic location: 5q35.1.
Variant type: single nucleotide variant.
Coding change: c.3765T>G on transcript NM_004946.3 (MANE Select); coding-DNA position 3765, T replaced by G.
Protein change: p.Asp1255Glu; replaces aspartic acid 1255 with glutamic acid.
Molecular consequence: missense variant. On other transcripts: non-coding transcript variant (1).
Genome position (GRCh38, 1-based): chr5:170,042,021, T>G. VCF-style: chr5-170042021-T-G. GRCh37 (hg19) VCF-style: chr5-169469025-T-G.
Other names: short protein forms D1255E.
Identifiers: ClinVar variation 1409792 (VCV001409792.6), dbSNP rs2113844479, ClinGen allele CA362108662.